The following is an entry in ClinVar:

NM_001008537.3(NEXMIF):c.1015C>T (p.Pro339Ser)

Gene: NEXMIF (neurite extension and migration factor; minus strand). Cytogenetic location: Xq13.3.
Variant type: single nucleotide variant.
Coding change: c.1015C>T on transcript NM_001008537.3 (MANE Select); coding-DNA position 1015, C replaced by T.
Protein change: p.Pro339Ser; replaces proline 339 with serine.
Molecular consequence: missense variant.
Genome position (GRCh38, 1-based): chrX:74,743,542, G>A on the plus strand (C>T on the coding strand, the complement: NEXMIF is on the minus strand). VCF-style: chrX-74743542-G-A. GRCh37 (hg19) VCF-style: chrX-73963377-G-A.
Other names: short protein forms P339S.
Identifiers: ClinVar variation 4756077 (VCV004756077.1).

ClinVar aggregate classification (germline): Uncertain significance (1 of 4 stars; one submission).

Submission:

GeneDx
Classification: Uncertain significance. Last evaluated: 2025-08-04. Review status: criteria provided, single submitter. Criteria: GeneDx Variant Classification Process June 2021. Collection method: clinical testing. Allele origin: germline. Affected: yes.
Comment: Not observed at significant frequency in large population cohorts (gnomAD); In silico analysis supports that this missense variant has a deleterious effect on protein structure/function; Has not been previously published as pathogenic or benign to our knowledge